The following is an entry in ClinVar:

ClinVar aggregate classification (germline): Likely pathogenic (1 of 4 stars; one submission).

Allele frequency attached by ClinVar (database versions not stated): ExAC 0.00002; gnomAD exomes 0.00002.
gnomAD v4.1: 19 of 1,429,812 alleles (0.0013%); highest among the groups gnomAD compares: Non-Finnish European, 0.0018%; no homozygotes.

Submission:

Labcorp Genetics (formerly Invitae), Labcorp
Classification: Likely pathogenic. Last evaluated: 2023-07-25. Review status: criteria provided, single submitter. Criteria: Invitae Variant Classification Sherloc (09022015). Collection method: clinical testing. Allele origin: germline.
Comment: In summary, the currently available evidence indicates that the variant is pathogenic, but additional data are needed to prove that conclusively. Therefore, this variant has been classified as Likely Pathogenic. Algorithms developed to predict the effect of sequence changes on RNA splicing suggest that this variant may disrupt the consensus splice site. This variant has not been reported in the literature in individuals affected with C5-related conditions. The frequency data for this variant in the population databases is considered unreliable, as metrics indicate poor data quality at this position in the gnomAD database. This sequence change affects an acceptor splice site in intron 3 of the C5 gene. It is expected to disrupt RNA splicing. Variants that disrupt the donor or acceptor splice site typically lead to a loss of protein function (PMID: 16199547), and loss-of-function variants in C5 are known to be pathogenic (PMID: 7730648, 19414197, 27026170).

Literature cited by the submitters: PubMed 16199547; PubMed 7730648; PubMed 19414197; PubMed 27026170.

NM_001735.3(C5):c.422-2A>G

Gene: C5 (complement C5; minus strand). Cytogenetic location: 9q33.2.
Variant type: single nucleotide variant.
Coding change: c.422-2A>G on transcript NM_001735.3 (MANE Select); the canonical splice acceptor site of the intron before coding-DNA position 422, A replaced by G.
Molecular consequence: splice acceptor variant.
Genome position (GRCh38, 1-based): chr9:121,037,953, T>C on the plus strand (A>G on the coding strand, the complement: C5 is on the minus strand). VCF-style: chr9-121037953-T-C. GRCh37 (hg19) VCF-style: chr9-123800231-T-C.
Other names: c.440-2A>G (NM_001317163.2); c.422-2A>G (NM_001317164.2).
Identifiers: ClinVar variation 2779280 (VCV002779280.3), dbSNP rs774775053, ClinGen allele CA5218394.